The following is an entry in ClinVar:

NM_001142864.4(PIEZO1):c.3154C>T (p.Gln1052Ter)

Genes: HSALR1 (HSP90AB1 associated lncRNA 1; plus strand), PIEZO1 (piezo type mechanosensitive ion channel component 1 (Er blood group); minus strand). Cytogenetic location: 16q24.3.
Variant type: single nucleotide variant.
Coding change: c.3154C>T on transcript NM_001142864.4 (MANE Select); coding-DNA position 3154, C replaced by T.
Protein change: p.Gln1052Ter; replaces glutamine 1052 with a stop codon.
Molecular consequence: nonsense.
Genome position (GRCh38, 1-based): chr16:88,731,748, G>A on the plus strand (C>T on the coding strand, the complement: PIEZO1 is on the minus strand). VCF-style: chr16-88731748-G-A. GRCh37 (hg19) VCF-style: chr16-88798156-G-A.
Other names: c.1696C>T, p.Gln566Ter (NM_014745.1); c.3154C>T (NM_001142864.3); short protein forms Q1052*, Q566*.
Identifiers: ClinVar variation 3235942 (VCV003235942.2), dbSNP rs922414644, ClinGen allele CA397107149.

ClinVar aggregate classification (germline): Likely pathogenic. Review status: criteria provided, multiple submitters, no conflicts (2 of 4 stars). 2 submissions from 2 submitters: Likely pathogenic (2). Last evaluated 2025-03-17.

Conditions:
PIEZO1-related disorder. Also called: PIEZO1-related condition; PIEZO1-Related Disorders.
Lymphatic malformation 6 (LMPHM6). Also called: GENERALIZED LYMPHATIC DYSPLASIA OF FOTIOU; Lymphedema, hereditary, III; PIEZO1-related generalized lymphatic dysplasia with non-immune hydrops fetalis. Identifiers: Orphanet 568062, MedGen C4225184, MONDO:0014797, OMIM 616843.

gnomAD v4.1: 2 of 1,549,804 alleles (0.00013%); highest among the groups gnomAD compares: Admixed American, 0.002%; no homozygotes.

Submissions (2):

PreventionGenetics, part of Exact Sciences
Classification: Likely pathogenic for PIEZO1-related condition. Last evaluated: 2025-03-17. Review status: criteria provided, single submitter. Criteria: ACMG Guidelines, 2015. Collection method: clinical testing. Allele origin: germline.
Comment: The PIEZO1 c.3154C>T variant is predicted to result in premature protein termination (p.Gln1052*). To our knowledge, this variant has not been reported in the literature. This variant is reported in 0.0041% of alleles in individuals of Latino descent in gnomAD. Nonsense variants in PIEZO1 are expected to be pathogenic. This variant is interpreted as likely pathogenic.

New York Genome Center
Classification: Likely pathogenic for Lymphatic malformation 6. Last evaluated: 2022-12-02. Review status: criteria provided, single submitter. Criteria: NYGC Assertion Criteria 2020. Collection method: clinical testing. Allele origin: inherited. Affected: yes. Observed: 1 compound heterozygote. Study: PrenatalSEQ.
Comment: The c.3154C>T variant in PIEZO1 has not previously been reported in the literature or public variant repositories (ClinVar and LOVD). The c.3154C>T variant is observed in 3 alleles (~0.0006% minor allele frequency with 0 homozygote) in population databases (gnomAD v2.1.1 and v3.1.2, TOPMed Freeze 8), suggesting it is not a common benign variant in the populations represented in those databases. The c.3154C>T variant is located in exon 22 of this 51-exon gene, is predicted to incorporate a premature termination codon (p.(Gln1052Ter)), and is expected to result in loss-of-function via nonsense mediated decay. Multiple loss-of-function variants downstream to the c.3154C>T variant have been reported in the literature in individuals with lymphatic disorders including non-immune hydrops fetalis [PMID:32596782]. Based on available evidence this inherited c.3154C>T p.(Gln1052Ter) variant identified in PIEZO1 is classified as Likely pathogenic.